The following is an entry in ClinVar:

ClinVar aggregate classification (germline): Likely pathogenic. Review status: criteria provided, multiple submitters, no conflicts (2 of 4 stars). 2 submissions from 2 submitters: Likely pathogenic (2). Last evaluated 2024-06-21.

Conditions:
KLHL7-related disorder. Also called: KLHL7-related condition; KLHL7-related disorders.
Retinitis pigmentosa 42 (RP42). Identifiers: Orphanet 791, MedGen C2751986, MONDO:0013052, OMIM 612943.
PERCHING syndrome (PERCHING). Also called: Cold-induced sweating syndrome 3. Identifiers: Orphanet 157820, Orphanet 603684, MedGen C4310742, MONDO:0014890, OMIM 617055.

Submissions (2):

Fulgent Genetics
Classification: Likely pathogenic for Retinitis pigmentosa 42; PERCHING syndrome. Last evaluated: 2024-06-21. Review status: criteria provided, single submitter. Criteria: ACMG Guidelines, 2015. Collection method: clinical testing. Allele origin: germline.

Rady Children's Institute for Genomic Medicine, Rady Children's Hospital San Diego
Classification: Likely pathogenic for KLHL7-related disorders. Review status: criteria provided, single submitter. Criteria: ACMG Guidelines, 2015. Collection method: clinical testing. Allele origin: germline. Affected: yes.
Comment: This 3-base pair in-frame deletion variant found in exon 5 of 11 leads to the loss of one amino acid residue but preserves the reading frame. This variant has not been previously reported or functionally characterized in the literature to our knowledge. The c.579_581del (p.Leu194del) variant is absent from the gnomAD population database and thus is presumed to be rare. The c.579_581del (p.Leu194del) variant affects a highly conserved amino acid in a well conserved region of the protein. Based on the available evidence, the c.579_581del (p.Leu194del) variant is classified as Likely Pathogenic.

NM_001031710.3(KLHL7):c.576TCT[1] (p.Leu194del)

Gene: KLHL7 (kelch like family member 7; plus strand). Cytogenetic location: 7p15.3.
Variant type: Microsatellite.
Coding change: c.576TCT[1] on transcript NM_001031710.3 (MANE Select); one copy of the 3-base unit TCT starting at c.576; the reference has two copies in a row; one copy, 3 bases deleted; also written c.579_581del.
Protein change: p.Leu194del; deletes leucine 194.
Molecular consequence: inframe deletion. On other transcripts: non-coding transcript variant (1).
Genome position (GRCh38, 1-based): chr7:23,140,905-23,140,907, TCT deleted; deleting any 3 consecutive bases within chr7:23,140,902-23,140,907 gives the same sequence; the position shown is the placement nearest the transcript's 3' end. VCF-style (leftmost placement, unchanged base first): chr7-23140901-ATCT-A. GRCh37 (hg19) VCF-style: chr7-23180520-ATCT-A.
Other names: c.432TCT[1], p.Leu146del (NM_018846.5); c.579_581del (NM_001031710.3); short protein forms L146del, L194del.
Identifiers: ClinVar variation 2584469 (VCV002584469.2), dbSNP rs2534860980, ClinGen allele CA2573320519.